The following is an entry in ClinVar:

ClinVar aggregate classification (germline): Uncertain significance (1 of 4 stars; one submission).

Conditions:
Nephronophthisis 15 (NPHP15). Identifiers: Orphanet 3156, MedGen C3541853, MONDO:0013917, OMIM 614845.

Allele frequency attached by ClinVar (database versions not stated): gnomAD exomes below 0.00001; gnomAD 0.00002; TOPMed 0.00002.
gnomAD v4.1: 4 of 1,613,780 alleles (0.00025%); highest among the groups gnomAD compares: African/African-American, 0.0053%; no homozygotes.

Submission:

Labcorp Genetics (formerly Invitae), Labcorp
Classification: Uncertain significance for Nephronophthisis 15. Last evaluated: 2022-03-12. Review status: criteria provided, single submitter. Criteria: Invitae Variant Classification Sherloc (09022015). Collection method: clinical testing. Allele origin: germline.
Comment: In summary, the available evidence is currently insufficient to determine the role of this variant in disease. Therefore, it has been classified as a Variant of Uncertain Significance. Algorithms developed to predict the effect of missense changes on protein structure and function (SIFT, PolyPhen-2, Align-GVGD) all suggest that this variant is likely to be tolerated. This variant has not been reported in the literature in individuals affected with CEP164-related conditions. This variant is present in population databases (no rsID available, gnomAD 0.008%). This sequence change replaces isoleucine, which is neutral and non-polar, with valine, which is neutral and non-polar, at codon 1155 of the CEP164 protein (p.Ile1155Val).

NM_014956.5(CEP164):c.3463A>G (p.Ile1155Val)

Gene: CEP164 (centrosomal protein 164; plus strand). Cytogenetic location: 11q23.3.
Variant type: single nucleotide variant.
Coding change: c.3463A>G on transcript NM_014956.5 (MANE Select); coding-DNA position 3463, A replaced by G.
Protein change: p.Ile1155Val; replaces isoleucine 1155 with valine.
Molecular consequence: missense variant.
Genome position (GRCh38, 1-based): chr11:117,397,275, A>G. VCF-style: chr11-117397275-A-G. GRCh37 (hg19) VCF-style: chr11-117267991-A-G.
Other names: c.3472A>G, p.Ile1158Val (NM_001271933.2); short protein forms I1155V, I1158V.
Identifiers: ClinVar variation 2415300 (VCV002415300.4), dbSNP rs948143255, ClinGen allele CA229362423.
Genomic context (GRCh38, chr11:117,397,275, plus strand): 5'-CAGCAGCATTGGCGCCATGAGCTGGCCAGTGCGCAGGAGGTGGCCAAAGACCCACCAGGC[A>G]TCAAGGCCCTGGAAGATATGCGCAAGAACCTGGAGAAGGTCAGGAGCTTTGGGAAGGGCC-3'
Protein context (NP_055771.4, residues 1145-1165): AQEVAKDPPG[Ile1155Val]KALEDMRKNL